The following is an entry in ClinVar:

NM_022436.3(ABCG5):c.1117A>T (p.Arg373Trp)

Genes: ABCG5 (ATP binding cassette subfamily G member 5; minus strand), DYNC2LI1 (dynein cytoplasmic 2 light intermediate chain 1; plus strand). Cytogenetic location: 2p21.
Variant type: single nucleotide variant.
Coding change: c.1117A>T on transcript NM_022436.3 (MANE Select); coding-DNA position 1117, A replaced by T.
Protein change: p.Arg373Trp; replaces arginine 373 with tryptophan.
Molecular consequence: missense variant. On other transcripts: intron variant (2).
Genome position (GRCh38, 1-based): chr2:43,824,220, T>A on the plus strand (A>T on the coding strand, the complement: ABCG5 is on the minus strand). VCF-style: chr2-43824220-T-A. GRCh37 (hg19) VCF-style: chr2-44051359-T-A.
Other names: c.*16-3166T>A (NM_001348913.2, NM_001348912.2); short protein forms R373W.
Identifiers: ClinVar variation 3310915 (VCV003310915.1).

ClinVar aggregate classification (germline): Uncertain significance (1 of 4 stars; one submission).

Conditions:
Cardiovascular phenotype. Identifiers: MedGen CN230736.

Submission:

Ambry Genetics
Classification: Uncertain significance for Cardiovascular phenotype. Last evaluated: 2024-06-03. Review status: criteria provided, single submitter. Criteria: Ambry Variant Classification Scheme 2023. Collection method: clinical testing. Allele origin: germline.
Comment: The p.R373W variant (also known as c.1117A>T), located in coding exon 8 of the ABCG5 gene, results from an A to T substitution at nucleotide position 1117. The arginine at codon 373 is replaced by tryptophan, an amino acid with dissimilar properties. This amino acid position is conserved. In addition, this alteration is predicted to be deleterious by in silico analysis. Based on the available evidence, the clinical significance of this variant remains unclear.